The following is an entry in ClinVar:

NM_130837.3(OPA1):c.2303A>G (p.Lys768Arg)

Gene: OPA1 (OPA1 mitochondrial dynamin like GTPase; plus strand). Cytogenetic location: 3q29.
Variant type: single nucleotide variant.
Coding change: c.2303A>G on transcript NM_130837.3 (MANE Select); coding-DNA position 2303, A replaced by G.
Protein change: p.Lys768Arg; replaces lysine 768 with arginine.
Molecular consequence: missense variant.
Genome position (GRCh38, 1-based): chr3:193,657,204, A>G. VCF-style: chr3-193657204-A-G. GRCh37 (hg19) VCF-style: chr3-193374993-A-G.
Other names: c.1769A>G, p.Lys590Arg (NM_001354663.2); c.1766A>G, p.Lys589Arg (NM_001354664.2); c.2138A>G, p.Lys713Arg (NM_015560.3); c.2030A>G, p.Lys677Arg (NM_130831.3); c.2084A>G, p.Lys695Arg (NM_130832.3); c.2141A>G, p.Lys714Arg (NM_130833.3); c.2192A>G, p.Lys731Arg (NM_130834.3); c.2195A>G, p.Lys732Arg (NM_130835.3); and 1 more; short protein forms K589R, K590R, K677R, K695R, K713R, K714R, K731R, K732R.
Identifiers: ClinVar variation 1697016 (VCV001697016.3), dbSNP rs2109164239, ClinGen allele CA355791642.
Genomic context (GRCh38, chr3:193,657,204, plus strand): 5'-ATGATGACATATTTGATAAACTTAAAGAGGCTGTTAAGGAAGAAAGTATTAAACGACACA[A>G]GTGGAATGACTTTGCGGAGGACAGCTTGGTATGTTGTTTGTATACTGGGGTATCAGCCTC-3'
Protein context (NP_570850.2, residues 758-778): AVKEESIKRH[Lys768Arg]WNDFAEDSLR

ClinVar aggregate classification (germline): Uncertain significance. Review status: criteria provided, multiple submitters, no conflicts (2 of 4 stars). 2 submissions from 2 submitters: Uncertain significance (2). Last evaluated 2023-12-19.

Conditions:
Inborn genetic diseases. Identifiers: MedGen C0950123, MeSH D030342.

Submissions (2):

Ambry Genetics
Classification: Uncertain significance for Inborn genetic diseases. Last evaluated: 2023-12-19. Review status: criteria provided, single submitter. Criteria: Ambry Variant Classification Scheme 2023. Collection method: clinical testing. Allele origin: germline.

GeneDx
Classification: Uncertain significance. Last evaluated: 2022-01-12. Review status: criteria provided, single submitter. Criteria: GeneDx Variant Classification Process June 2021. Collection method: clinical testing. Allele origin: germline. Affected: yes.
Comment: Not observed at significant frequency in large population cohorts (gnomAD); In silico analysis supports that this missense variant does not alter protein structure/function; Located in the mitochondrial intermembrane topological domain; Has not been previously published as pathogenic or benign to our knowledge